The following is an entry in ClinVar:

NM_001080467.3(MYO5B):c.1499T>C (p.Ile500Thr)

Gene: MYO5B (myosin VB; minus strand). Cytogenetic location: 18q21.1.
Variant type: single nucleotide variant.
Coding change: c.1499T>C on transcript NM_001080467.3 (MANE Select); coding-DNA position 1499, T replaced by C.
Protein change: p.Ile500Thr; replaces isoleucine 500 with threonine.
Molecular consequence: missense variant.
Genome position (GRCh38, 1-based): chr18:49,962,312, A>G on the plus strand (T>C on the coding strand, the complement: MYO5B is on the minus strand). VCF-style: chr18-49962312-A-G. GRCh37 (hg19) VCF-style: chr18-47488682-A-G.
Other names: c.1499T>C (NM_001080467.2); short protein forms I500T.
Identifiers: ClinVar variation 2138154 (VCV002138154.7), dbSNP rs1399711940, ClinGen allele CA402429872.

ClinVar aggregate classification (germline): Uncertain significance. Review status: criteria provided, multiple submitters, no conflicts (2 of 4 stars). 5 submissions from 5 submitters: Uncertain significance (5). Last evaluated 2025-07-04.

Conditions:
Cholestasis, progressive familial intrahepatic, 10 (PFIC10). Identifiers: MedGen C5676981, MONDO:0030810, OMIM 619868.
MYO5B-related disorder. Also called: MYO5B-related condition.

Allele frequency attached by ClinVar (database versions not stated): gnomAD exomes below 0.00001; TOPMed below 0.00001; gnomAD 0.00001.

Submissions (5):

3billion
Classification: Uncertain significance for Cholestasis, progressive familial intrahepatic, 10. Last evaluated: 2025-07-04. Review status: criteria provided, single submitter. Criteria: ACMG Guidelines, 2015. Collection method: clinical testing. Allele origin: germline. Affected: yes.
Comment: The variant is observed at an extremely low frequency in the gnomAD v4.1.0 dataset (total allele frequency: <0.001%). Predicted Consequence/Location: Missense variant In silico tool predictions suggest damaging effect of the variant on gene or gene product [REVEL: 0.98 (>=0.6, sensitivity 0.68 and specificity 0.92); 3Cnet: 0.76 (> 0.75, sensitivity 0.96 and precision 0.92)]. The variant has been reported as of uncertain significance (ClinVar ID: VCV002138154; PMID: 27532546). Therefore, this variant is classified as VUS according to the recommendation of ACMG/AMP guideline.

GeneDx
Classification: Uncertain significance. Last evaluated: 2025-05-22. Review status: criteria provided, single submitter. Criteria: GeneDx Variant Classification Process June 2021. Collection method: clinical testing. Allele origin: germline. Affected: yes.
Comment: Not observed at significant frequency in large population cohorts (gnomAD); In silico analysis supports that this missense variant has a deleterious effect on protein structure/function; This variant is associated with the following publications: (PMID: 33525641, 27532546)

PreventionGenetics, part of Exact Sciences
Classification: Uncertain significance for MYO5B-related condition. Last evaluated: 2025-05-11. Review status: criteria provided, single submitter. Criteria: ACMG Guidelines, 2015. Collection method: clinical testing. Allele origin: germline.
Comment: The MYO5B c.1499T>C variant is predicted to result in the amino acid substitution p.Ile500Thr. This variant has been reported in the compound heterozygous state in a patient with cholestasis (Gonzales et al. 2017. PubMed ID: 27532546). However, no functional analyses were performed to help determine the pathogenicity of this variant. This variant is not present in a large population database (gnomAD), indicating this variant is rare. At this time, the clinical significance of this variant is uncertain.

Labcorp Genetics (formerly Invitae), Labcorp
Classification: Uncertain significance. Last evaluated: 2022-05-19. Review status: criteria provided, single submitter. Criteria: Invitae Variant Classification Sherloc (09022015). Collection method: clinical testing. Allele origin: germline.
Comment: This sequence change replaces isoleucine, which is neutral and non-polar, with threonine, which is neutral and polar, at codon 500 of the MYO5B protein (p.Ile500Thr). This variant is not present in population databases (gnomAD no frequency). This missense change has been observed in individual(s) with cholestasis (PMID: 27532546). Algorithms developed to predict the effect of missense changes on protein structure and function are either unavailable or do not agree on the potential impact of this missense change (SIFT: "Deleterious"; PolyPhen-2: "Probably Damaging"; Align-GVGD: "Class C0"). In summary, the available evidence is currently insufficient to determine the role of this variant in disease. Therefore, it has been classified as a Variant of Uncertain Significance.

Revvity Omics, Revvity
Classification: Uncertain significance. Last evaluated: 2020-03-07. Review status: criteria provided, single submitter. Criteria: ACMG Guidelines, 2015. Collection method: clinical testing. Allele origin: germline.

Literature cited by the submitters: PubMed 27532546 (cited by Labcorp Genetics (formerly Invitae), Labcorp).